The following is an entry in ClinVar:

ClinVar aggregate classification (germline): Benign/Likely benign. Review status: criteria provided, multiple submitters, no conflicts (2 of 4 stars). 7 submissions from 7 submitters: Benign (5); Likely benign (1). 1 of the submissions does not count toward it. Last evaluated 2026-02-02.

Conditions:
Congenital lactic acidosis, Saguenay-Lac-Saint-Jean type (MC4DN5). Also called: MITOCHONDRIAL COMPLEX IV DEFICIENCY, NUCLEAR TYPE 5; CYTOCHROME c OXIDASE DEFICIENCY, FRENCH CANADIAN TYPE; COX DEFICIENCY, FRENCH CANADIAN TYPE. Identifiers: Orphanet 70472, MedGen C1857355, MONDO:0009069, OMIM 220111.

Allele frequency attached by ClinVar (database versions not stated): gnomAD exomes 0.00196 and 0.00498; ExAC 0.00617; gnomAD 0.01940 and 0.02080; ESP Exome Variant Server 0.02092; TOPMed 0.02197; 1000 Genomes Project 30x 0.02514; 1000 Genomes Project 0.02516.
gnomAD v4.1: 5,917 of 1,606,868 alleles (0.37%); highest among the groups gnomAD compares: African/African-American, 6.9%; 179 homozygotes.

Submissions (7):

Labcorp Genetics (formerly Invitae), Labcorp
Classification: Benign. Last evaluated: 2026-02-02. Review status: criteria provided, single submitter. Criteria: Invitae Variant Classification Sherloc (09022015). Collection method: clinical testing. Allele origin: germline.

Mayo Clinic Laboratories, Mayo Clinic
Classification: Benign. Last evaluated: 2022-07-29. Review status: criteria provided, single submitter. Criteria: ACMG Guidelines, 2015. Collection method: clinical testing. Allele origin: germline. Observed: 25 variant alleles.

Fulgent Genetics
Classification: Likely benign for Congenital lactic acidosis, Saguenay-Lac-Saint-Jean type. Last evaluated: 2021-10-08. Review status: criteria provided, single submitter. Criteria: ACMG Guidelines, 2015. Collection method: clinical testing. Allele origin: unknown.

Illumina Laboratory Services, Illumina
Classification: Benign for Congenital lactic acidosis, Saguenay-Lac-Saint-Jean type. Last evaluated: 2018-01-13. Review status: criteria provided, single submitter. Criteria: ICSL Variant Classification Criteria 13 December 2019. Collection method: clinical testing. Allele origin: germline.
Comment: This variant was observed in the ICSL laboratory as part of a predisposition screen in an ostensibly healthy population. It had not been previously curated by ICSL or reported in the Human Gene Mutation Database (HGMD: prior to June 1st, 2018), and was therefore a candidate for classification through an automated scoring system. Utilizing variant allele frequency, disease prevalence and penetrance estimates, and inheritance mode, an automated score was calculated to assess if this variant is too frequent to cause the disease. Based on the score and internal cut-off values, a variant classified as benign is not then subjected to further curation. The score for this variant resulted in a classification of benign for this disease.

GeneDx
Classification: Benign. Last evaluated: 2012-11-28. Review status: criteria provided, single submitter. Criteria: GeneDx Variant Classification (06012015). Collection method: clinical testing. Allele origin: germline. Affected: yes.
Comment: This variant is considered likely benign or benign based on one or more of the following criteria: it is a conservative change, it occurs at a poorly conserved position in the protein, it is predicted to be benign by multiple in silico algorithms, and/or has population frequency not consistent with disease.

Breakthrough Genomics
Classification: Benign. Review status: criteria provided, single submitter. Criteria: ACMG Guidelines, 2015. Collection method: not provided. Allele origin: germline. Inheritance: Autosomal recessive inheritance. Affected: yes.

Natera, Inc.
Classification: Benign for French-Canadian type Leigh syndrome. Last evaluated: 2020-09-16. Review status: no assertion criteria provided. Collection method: clinical testing. Allele origin: germline. Not counted in ClinVar's aggregate classification.

NM_133259.4(LRPPRC):c.1888C>T (p.Leu630=)

Gene: LRPPRC (leucine rich pentatricopeptide repeat containing; minus strand). Cytogenetic location: 2p21.
Variant type: single nucleotide variant.
Coding change: c.1888C>T on transcript NM_133259.4 (MANE Select); coding-DNA position 1888, C replaced by T.
Protein change: p.Leu630=; no amino-acid change (leucine 630 retained).
Molecular consequence: synonymous variant.
Genome position (GRCh38, 1-based): chr2:43,948,154, G>A on the plus strand (C>T on the coding strand, the complement: LRPPRC is on the minus strand). VCF-style: chr2-43948154-G-A. GRCh37 (hg19) VCF-style: chr2-44175293-G-A.
Other names: p.L630L:CTG>TTG; p.Leu630=.
Identifiers: ClinVar variation 138144 (VCV000138144.19), dbSNP rs35881858, ClinGen allele CA291972.